The following is an entry in ClinVar:

ClinVar aggregate classification (germline): Likely benign. Review status: criteria provided, multiple submitters, no conflicts (2 of 4 stars). 2 submissions from 2 submitters: Likely benign (2). Last evaluated 2025-11-19.

Conditions:
CDH23-related disorder. Also called: CDH23-related condition; CDH23-related disorders.

Allele frequency attached by ClinVar (database versions not stated): TOPMed 0.00001; gnomAD exomes below 0.00001; gnomAD 0.00001.
gnomAD v4.1: 6 of 1,613,096 alleles (0.00037%); highest among the groups gnomAD compares: Admixed American, 0.0017%; no homozygotes.

Submissions (2):

Labcorp Genetics (formerly Invitae), Labcorp
Classification: Likely benign. Last evaluated: 2025-11-19. Review status: criteria provided, single submitter. Criteria: Invitae Variant Classification Sherloc (09022015). Collection method: clinical testing. Allele origin: germline.

PreventionGenetics, part of Exact Sciences
Classification: Likely benign for CDH23-related condition. Last evaluated: 2025-05-13. Review status: criteria provided, single submitter. Criteria: ACMG Guidelines, 2015. Collection method: clinical testing. Allele origin: germline.
Comment: This variant is classified as likely benign based on ACMG/AMP sequence variant interpretation guidelines (Richards et al. 2015 PMID: 25741868, with internal and published modifications).

NM_022124.6(CDH23):c.3327C>T (p.Ala1109=)

Genes: C10orf105 (chromosome 10 open reading frame 105; minus strand), CDH23 (cadherin related 23; plus strand). Cytogenetic location: 10q22.1.
Variant type: single nucleotide variant.
Coding change: c.3327C>T on transcript NM_022124.6 (MANE Select); coding-DNA position 3327, C replaced by T.
Protein change: p.Ala1109=; no amino-acid change (alanine 1109 retained).
Molecular consequence: synonymous variant. On other transcripts: 3 prime UTR variant (2).
Genome position (GRCh38, 1-based): chr10:71,712,771, C>T. VCF-style: chr10-71712771-C-T. GRCh37 (hg19) VCF-style: chr10-73472528-C-T.
Other names: c.3327C>T (NM_022124.5); c.*3165G>A (NM_001164375.3, NM_001168390.2); c.3327C>T, p.Ala1109= (NM_001171930.2).
Identifiers: ClinVar variation 1926770 (VCV001926770.6), dbSNP rs1866029830, ClinGen allele CA470063065.